The following is an entry in ClinVar:

NM_174936.4(PCSK9):c.335T>C (p.Leu112Pro)

Gene: PCSK9 (proprotein convertase subtilisin/kexin type 9; plus strand). Cytogenetic location: 1p32.3.
Variant type: single nucleotide variant.
Coding change: c.335T>C on transcript NM_174936.4 (MANE Select); coding-DNA position 335, T replaced by C.
Protein change: p.Leu112Pro; replaces leucine 112 with proline.
Molecular consequence: missense variant. On other transcripts: non-coding transcript variant (6), 5 prime UTR variant (1), intron variant (1).
Genome position (GRCh38, 1-based): chr1:55,043,970, T>C. VCF-style: chr1-55043970-T-C. GRCh37 (hg19) VCF-style: chr1-55509643-T-C.
Other names: c.335T>C, p.Leu112Pro (NM_001407247.1, NM_001407241.1, NM_001407242.1 and 2 more transcripts); c.458T>C, p.Leu153Pro (NM_001407240.1); c.-41T>C (NM_001407246.1); c.208-2553T>C (NM_001407245.1); short protein forms L112P, L153P.
Identifiers: ClinVar variation 3071446 (VCV003071446.2), dbSNP rs1021372164, ClinGen allele CA22795547.
Genomic context (GRCh38, chr1:55,043,970, plus strand): 5'-AGCGCACTGCCCGCCGCCTGCAGGCCCAGGCTGCCCGCCGGGGATACCTCACCAAGATCC[T>C]GCATGTCTTCCATGGCCTTCTTCCTGGCTTCCTGGTGAAGATGAGTGGCGACCTGCTGGA-3'
Protein context (NP_777596.2, residues 102-122): AARRGYLTKI[Leu112Pro]HVFHGLLPGF

ClinVar aggregate classification (germline): Uncertain significance. Review status: criteria provided, multiple submitters, no conflicts (2 of 4 stars). 2 submissions from 2 submitters: Uncertain significance (2). Last evaluated 2025-09-15.

Conditions:
Hypercholesterolemia, autosomal dominant, 3 (FHCL3). Also called: Familial Hypercholesterolemia, Autosomal Dominant, 3; PCSK9-Related Familial Hypercholesterolemia, Autosomal Dominant; Familial hypercholesterolemia 3. Identifiers: MedGen C1863551, MONDO:0011369, OMIM 603776.
Familial hypercholesterolemia. Also called: Familial hypercholesterolemias; Familial hypercholesterolaemia. Identifiers: MedGen C0020445, MONDO:0005439.

Allele frequency attached by ClinVar (database versions not stated): gnomAD exomes below 0.00001.
gnomAD v4.1: 3 of 1,614,120 alleles (0.00019%); highest among the groups gnomAD compares: African/African-American, 0.004%; no homozygotes.

Submissions (2):

Color Diagnostics, LLC DBA Color Health
Classification: Uncertain significance for Familial hypercholesterolemia. Last evaluated: 2025-09-15. Review status: criteria provided, single submitter. Criteria: ACMG Guidelines, 2015. Collection method: clinical testing. Allele origin: germline.
Comment: This missense variant replaces leucine with proline at codon 112 of the PCSK9 protein. Computational prediction is inconclusive regarding the impact of this variant on protein structure and function. To our knowledge, functional studies have not been reported for this variant. This variant has not been reported in individuals affected with PCSK9-related disorders in the literature. This variant has not been identified in the general population by the Genome Aggregation Database (gnomAD). The available evidence is insufficient to determine the role of this variant in disease conclusively. Therefore, this variant is classified as a Variant of Uncertain Significance.

All of Us Research Program, National Institutes of Health
Classification: Uncertain significance for Hypercholesterolemia, autosomal dominant, 3. Last evaluated: 2023-06-27. Review status: criteria provided, single submitter. Criteria: ACMG Guidelines, 2015. Collection method: clinical testing. Allele origin: germline. Inheritance: Autosomal dominant inheritance. Observed: 1 variant allele, 1 heterozygote.
Comment: This study involves interpretation of variants in research participants for the purpose of population health screening. Participant phenotype was not available at the time of variant classification. Additional details can be found in publication PMID: 35346344, PMCID: PMC8962531